The following is an entry in ClinVar:

ClinVar aggregate classification (germline): Uncertain significance (1 of 4 stars; one submission).

Conditions:
Primary ciliary dyskinesia. Also called: Ciliary dyskinesia. Identifiers: Orphanet 244, MedGen C0008780, MONDO:0016575, HP:0012265.

Submission:

Labcorp Genetics (formerly Invitae), Labcorp
Classification: Uncertain significance for Primary ciliary dyskinesia. Last evaluated: 2024-06-25. Review status: criteria provided, single submitter. Criteria: Invitae Variant Classification Sherloc (09022015). Collection method: clinical testing. Allele origin: germline.
Comment: This variant, c.2594_2608del, results in the deletion of 5 amino acid(s) of the RPGR (ORF15) protein (p.Gly865_Glu869del), but otherwise preserves the integrity of the reading frame. The frequency data for this variant in the population databases is considered unreliable, as metrics indicate insufficient coverage at this position in the gnomAD database. This variant has not been reported in the literature in individuals affected with RPGR (ORF15)-related conditions. Experimental studies and prediction algorithms are not available or were not evaluated, and the functional significance of this variant is currently unknown. In summary, the available evidence is currently insufficient to determine the role of this variant in disease. Therefore, it has been classified as a Variant of Uncertain Significance.

NM_001034853.2(RPGR):c.2594_2608del (p.Gly865_Glu869del)

Gene: RPGR (retinitis pigmentosa GTPase regulator; minus strand). Cytogenetic location: Xp11.4.
Variant type: Deletion.
Coding change: c.2594_2608del on transcript NM_001034853.2 (MANE Select); coding-DNA positions 2594 to 2608, 15 bases deleted (GAGAAGGGGAGGAAG).
Protein change: p.Gly865_Glu869del.
Molecular consequence: inframe deletion. On other transcripts: intron variant (8).
Genome position (GRCh38, 1-based): chrX:38,286,391-38,286,405, CTTCCTCCCCTTCTC deleted on the plus strand (GAGAAGGGGAGGAAG on the coding strand, the reverse complement: RPGR is on the minus strand); deleting any 15 consecutive bases within chrX:38,286,391-38,286,409 gives the same sequence; the c. name uses the placement nearest the transcript's 3' end. VCF-style (leftmost placement, unchanged base first): chrX-38286390-TCTTCCTCCCCTTCTC-T. GRCh37 (hg19) VCF-style: chrX-38145643-TCTTCCTCCCCTTCTC-T.
Other names: c.1569+4554_1569+4568del (NM_001367249.1, NM_001367250.1); c.1902+689_1902+703del (NM_001367245.1); c.1386+4554_1386+4568del (NM_001367251.1); c.1719+689_1719+703del (NM_001367246.1); c.1572+4554_1572+4568del (NM_001367247.1); c.1905+689_1905+703del (NM_000328.3); c.1602+4554_1602+4568del (NM_001367248.1).
Identifiers: ClinVar variation 3626895 (VCV003626895.2).